The following is an entry in ClinVar:

ClinVar aggregate classification (germline): Uncertain significance (1 of 4 stars; one submission).

Conditions:
Gastrointestinal stromal tumor. Also called: Gastrointestinal stroma tumor; Gastrointestinal stromal tumor, somatic. Identifiers: Orphanet 44890, MedGen C0238198, MeSH D046152, MONDO:0011719, OMIM 606764, HP:0100723.

Submission:

Labcorp Genetics (formerly Invitae), Labcorp
Classification: Uncertain significance for Gastrointestinal stromal tumor. Last evaluated: 2022-11-01. Review status: criteria provided, single submitter. Criteria: Invitae Variant Classification Sherloc (09022015). Collection method: clinical testing. Allele origin: germline.
Comment: In summary, the available evidence is currently insufficient to determine the role of this variant in disease. Therefore, it has been classified as a Variant of Uncertain Significance. Advanced modeling of protein sequence and biophysical properties (such as structural, functional, and spatial information, amino acid conservation, physicochemical variation, residue mobility, and thermodynamic stability) performed at Invitae indicates that this missense variant is not expected to disrupt PDGFRA protein function. ClinVar contains an entry for this variant (Variation ID: 459006). This variant has not been reported in the literature in individuals affected with PDGFRA-related conditions. This variant is not present in population databases (gnomAD no frequency). This sequence change replaces leucine, which is neutral and non-polar, with arginine, which is basic and polar, at codon 506 of the PDGFRA protein (p.Leu506Arg).

NM_006206.6(PDGFRA):c.1517T>G (p.Leu506Arg)

Gene: PDGFRA (platelet derived growth factor receptor alpha; plus strand). Cytogenetic location: 4q12.
Variant type: single nucleotide variant.
Coding change: c.1517T>G on transcript NM_006206.6 (MANE Select); coding-DNA position 1517, T replaced by G.
Protein change: p.Leu506Arg; replaces leucine 506 with arginine.
Molecular consequence: missense variant.
Genome position (GRCh38, 1-based): chr4:54,273,689, T>G. VCF-style: chr4-54273689-T-G. GRCh37 (hg19) VCF-style: chr4-55139856-T-G.
Other names: c.1517T>G, p.Leu506Arg (NM_001347827.2, NM_001347829.2); c.1592T>G, p.Leu531Arg (NM_001347828.2); c.1556T>G, p.Leu519Arg (NM_001347830.2); short protein forms L506R, L519R, L531R.
Identifiers: ClinVar variation 459006 (VCV000459006.9), dbSNP rs746397815, ClinGen allele CA356892729.